The following is an entry in ClinVar:

ClinVar aggregate classification (germline): Uncertain significance (1 of 4 stars; one submission).

Conditions:
Idiopathic generalized epilepsy. Also called: Generalised epilepsy; EIG. Identifiers: MedGen C0270850, MONDO:0005579, OMIM 600669.
Hyperaldosteronism, familial, type IV (HALD4). Also called: FH IV; ALDOSTERONISM, PRIMARY, AND HYPERTENSION. Identifiers: Orphanet 642671, MedGen C4310756, MONDO:0014875, OMIM 617027.

Allele frequency attached by ClinVar (database versions not stated): gnomAD exomes below 0.00001.
gnomAD v4.1: 1 of 1,553,114 alleles (0.000064%); highest among the groups gnomAD compares: South Asian, 0.0012%; no homozygotes.

Submission:

Labcorp Genetics (formerly Invitae), Labcorp
Classification: Uncertain significance for Idiopathic generalized epilepsy; Hyperaldosteronism, familial, type IV. Last evaluated: 2020-10-05. Review status: criteria provided, single submitter. Criteria: Invitae Variant Classification Sherloc (09022015). Collection method: clinical testing. Allele origin: germline.
Comment: In summary, the available evidence is currently insufficient to determine the role of this variant in disease. Therefore, it has been classified as a Variant of Uncertain Significance. Advanced modeling of protein sequence and biophysical properties (such as structural, functional, and spatial information, amino acid conservation, physicochemical variation, residue mobility, and thermodynamic stability) performed at Invitae indicates that this missense variant is not expected to disrupt CACNA1H protein function. This variant has not been reported in the literature in individuals with CACNA1H-related conditions. The frequency data for this variant in the population databases is considered unreliable, as metrics indicate insufficient coverage at this position in the ExAC database. This sequence change replaces glycine with arginine at codon 1173 of the CACNA1H protein (p.Gly1173Arg). The glycine residue is highly conserved and there is a moderate physicochemical difference between glycine and arginine.

NM_021098.3(CACNA1H):c.3517G>C (p.Gly1173Arg)

Gene: CACNA1H (calcium voltage-gated channel subunit alpha1 H; plus strand). Cytogenetic location: 16p13.3.
Variant type: single nucleotide variant.
Coding change: c.3517G>C on transcript NM_021098.3 (MANE Select); coding-DNA position 3517, G replaced by C.
Protein change: p.Gly1173Arg; replaces glycine 1173 with arginine.
Molecular consequence: missense variant.
Genome position (GRCh38, 1-based): chr16:1,209,185, G>C. VCF-style: chr16-1209185-G-C. GRCh37 (hg19) VCF-style: chr16-1259185-G-C.
Other names: c.3517G>C, p.Gly1173Arg (NM_001005407.2); short protein forms G1173R.
Identifiers: ClinVar variation 1003530 (VCV001003530.8), dbSNP rs1969122865, ClinGen allele CA394173812.